The following is an entry in ClinVar:

NM_024408.4(NOTCH2):c.6028-4G>A

Gene: NOTCH2 (notch receptor 2; minus strand). Cytogenetic location: 1p12.
Variant type: single nucleotide variant.
Coding change: c.6028-4G>A on transcript NM_024408.4 (MANE Select); 4 bases into the intron before coding-DNA position 6028, G replaced by A.
Molecular consequence: intron variant.
Genome position (GRCh38, 1-based): chr1:119,916,698, C>T on the plus strand (G>A on the coding strand, the complement: NOTCH2 is on the minus strand). VCF-style: chr1-119916698-C-T. GRCh37 (hg19) VCF-style: chr1-120459321-C-T.
Other names: c.6028-4G>A (NM_024408.3).
Identifiers: ClinVar variation 288194 (VCV000288194.11), dbSNP rs372465730, ClinGen allele CA1039502.

ClinVar aggregate classification (germline): Conflicting classifications of pathogenicity. Review status: criteria provided, conflicting classifications (1 of 4 stars). 4 submissions from 4 submitters: Uncertain significance (1); Likely benign (2). 1 of the submissions does not count toward it. Last evaluated 2024-05-09.

Conditions:
Hajdu-Cheney syndrome (HJCYS). Also called: SERPENTINE FIBULA-POLYCYSTIC KIDNEY SYNDROME; ACROOSTEOLYSIS WITH OSTEOPOROSIS AND CHANGES IN SKULL AND MANDIBLE; Acroosteolysis dominant type. Identifiers: Orphanet 955, MedGen C0917715, MONDO:0007057, OMIM 102500.
NOTCH2-related disorder. Also called: NOTCH2-related condition.

Allele frequency attached by ClinVar (database versions not stated): TOPMed 0.00002; gnomAD exomes 0.00003; ExAC 0.00005; ESP Exome Variant Server 0.00008.
gnomAD v4.1: 51 of 1,613,954 alleles (0.0032%); highest among the groups gnomAD compares: Non-Finnish European, 0.004%; no homozygotes.

Submissions (4):

Labcorp Genetics (formerly Invitae), Labcorp
Classification: Likely benign for Hajdu-Cheney syndrome. Last evaluated: 2024-05-09. Review status: criteria provided, single submitter. Criteria: Invitae Variant Classification Sherloc (09022015). Collection method: clinical testing. Allele origin: germline.

Blueprint Genetics
Classification: Likely benign. Last evaluated: 2023-09-26. Review status: criteria provided, single submitter. Criteria: ACMG Guidelines, 2015. Collection method: clinical testing. Allele origin: germline.

Eurofins Ntd Llc (ga)
Classification: Uncertain significance. Last evaluated: 2016-06-17. Review status: criteria provided, single submitter. Criteria: EGL Classification Definitions 2015. Collection method: clinical testing. Allele origin: germline. Observed: 1 variant allele, 1 heterozygote.

PreventionGenetics, part of Exact Sciences
Classification: Likely benign for NOTCH2-related condition. Last evaluated: 2019-03-05. Review status: no assertion criteria provided. Collection method: clinical testing. Allele origin: germline. Not counted in ClinVar's aggregate classification.
Comment: This variant is classified as likely benign based on ACMG/AMP sequence variant interpretation guidelines (Richards et al. 2015 PMID: 25741868, with internal and published modifications).